The following is an entry in ClinVar:

NM_000297.4(PKD2):c.2140A>G (p.Lys714Glu)

Gene: PKD2 (polycystin 2, transient receptor potential cation channel; plus strand). Cytogenetic location: 4q22.1.
Variant type: single nucleotide variant.
Coding change: c.2140A>G on transcript NM_000297.4 (MANE Select); coding-DNA position 2140, A replaced by G.
Protein change: p.Lys714Glu; replaces lysine 714 with glutamic acid.
Molecular consequence: missense variant. On other transcripts: non-coding transcript variant (1).
Genome position (GRCh38, 1-based): chr4:88,065,395, A>G. VCF-style: chr4-88065395-A-G. GRCh37 (hg19) VCF-style: chr4-88986547-A-G.
Other names: c.2140A>G (NM_000297.3); short protein forms K714E.
Identifiers: ClinVar variation 2138086 (VCV002138086.7), dbSNP rs753091616, ClinGen allele CA3004146.
Genomic context (GRCh38, chr4:88,065,395, plus strand): 5'-ACACTAAACCAAGTCTTTTATTTTTTCTCTCTCTGATAGGGCTACCATAAAGCTTTGGTC[A>G]AACTAAAACTGAAAAAAAATACCGTGGATGACATTTCAGAGAGTCTGCGGCAAGGAGGAG-3'
Protein context (NP_000288.1, residues 704-724): IRKGYHKALV[Lys714Glu]LKLKKNTVDD

ClinVar aggregate classification (germline): Uncertain significance. Review status: criteria provided, multiple submitters, no conflicts (2 of 4 stars). 4 submissions from 4 submitters: Uncertain significance (4). Last evaluated 2026-04-25.

Conditions:
Autosomal dominant polycystic kidney disease. Identifiers: Orphanet 730, MedGen C0085413, MONDO:0004691.
Polycystic kidney disease 2 (PKD2). Also called: POLYCYSTIC KIDNEY DISEASE, ADULT, TYPE II; Polycystic Kidney Disease 2, Autosomal Dominant; POLYCYSTIC KIDNEY DISEASE 2 WITH OR WITHOUT POLYCYSTIC LIVER DISEASE. Identifiers: MedGen C2751306, MONDO:0013131, OMIM 613095.
PKD2-related disorder. Also called: PKD2-related condition.

Allele frequency attached by ClinVar (database versions not stated): ExAC 0.00001; gnomAD 0.00003; gnomAD exomes 0.00002; TOPMed 0.00002.
gnomAD v4.1: 37 of 1,612,514 alleles (0.0023%); highest among the groups gnomAD compares: African/African-American, 0.004%; no homozygotes.

Submissions (4):

PreventionGenetics, part of Exact Sciences
Classification: Uncertain significance for PKD2-related condition. Last evaluated: 2026-04-25. Review status: criteria provided, single submitter. Criteria: ACMG Guidelines, 2015. Collection method: clinical testing. Allele origin: germline.
Comment: The PKD2 c.2140A>G variant is predicted to result in the amino acid substitution p.Lys714Glu. This variant has been reported in an individual with autosomal dominant polycystic kidney disease (ADPKD), but this individual also has a pathogenic nonsense variant in DNAJB11, which is likely the primary cause of ADPKD (Huynh et al 2020. PubMed ID: 32631624). This variant is reported in 0.0018% of alleles in individuals of European (Non-Finnish) descent in gnomAD. At this time, the clinical significance of this variant is uncertain due to the absence of conclusive functional and genetic evidence.

Department of Pathology and Laboratory Medicine, Sinai Health System
Classification: Uncertain significance for Polycystic kidney disease 2. Last evaluated: 2025-02-04. Review status: criteria provided, single submitter. Criteria: ACMG Guidelines, 2015. Collection method: clinical testing. Allele origin: germline.

Labcorp Genetics (formerly Invitae), Labcorp
Classification: Uncertain significance for Autosomal dominant polycystic kidney disease. Last evaluated: 2025-01-25. Review status: criteria provided, single submitter. Criteria: Invitae Variant Classification Sherloc (09022015). Collection method: clinical testing. Allele origin: germline.
Comment: This sequence change replaces lysine, which is basic and polar, with glutamic acid, which is acidic and polar, at codon 714 of the PKD2 protein (p.Lys714Glu). This variant is present in population databases (rs753091616, gnomAD 0.002%). This variant has not been reported in the literature in individuals affected with PKD2-related conditions. ClinVar contains an entry for this variant (Variation ID: 2138086). Invitae Evidence Modeling of protein sequence and biophysical properties (such as structural, functional, and spatial information, amino acid conservation, physicochemical variation, residue mobility, and thermodynamic stability) indicates that this missense variant is expected to disrupt PKD2 protein function with a positive predictive value of 80%. In summary, the available evidence is currently insufficient to determine the role of this variant in disease. Therefore, it has been classified as a Variant of Uncertain Significance.

Fulgent Genetics
Classification: Uncertain significance for Polycystic kidney disease 2. Last evaluated: 2024-04-10. Review status: criteria provided, single submitter. Criteria: ACMG Guidelines, 2015. Collection method: clinical testing. Allele origin: germline.